The following is an entry in ClinVar:

ClinVar aggregate classification (germline): Uncertain significance. Review status: criteria provided, multiple submitters, no conflicts (2 of 4 stars). 2 submissions from 2 submitters: Uncertain significance (2). Last evaluated 2024-02-27.

Submissions (2):

GeneDx
Classification: Uncertain significance. Last evaluated: 2024-02-27. Review status: criteria provided, single submitter. Criteria: GeneDx Variant Classification Process June 2021. Collection method: clinical testing. Allele origin: germline. Affected: yes.
Comment: Has not been previously published as pathogenic or benign to our knowledge; Not observed at significant frequency in large population cohorts (gnomAD); In silico analysis supports that this missense variant has a deleterious effect on protein structure/function

Athena Diagnostics
Classification: Uncertain significance. Last evaluated: 2023-02-01. Review status: criteria provided, single submitter. Criteria: Athena Diagnostics Criteria. Collection method: clinical testing. Allele origin: unknown.
Comment: Available data are insufficient to determine the clinical significance of the variant at this time. This variant has not been reported in large, multi-ethnic general populations. Computational tools disagree on the variant's effect on normal protein function.

NM_021830.5(TWNK):c.1101C>G (p.Ile367Met)

Gene: TWNK (twinkle mtDNA helicase; plus strand). Cytogenetic location: 10q24.31.
Variant type: single nucleotide variant.
Coding change: c.1101C>G on transcript NM_021830.5 (MANE Select); coding-DNA position 1101, C replaced by G.
Protein change: p.Ile367Met; replaces isoleucine 367 with methionine.
Molecular consequence: missense variant. On other transcripts: non-coding transcript variant (4), intron variant (3).
Genome position (GRCh38, 1-based): chr10:100,989,311, C>G. VCF-style: chr10-100989311-C-G. GRCh37 (hg19) VCF-style: chr10-102749068-C-G.
Other names: c.1101C>G, p.Ile367Met (NM_001163812.2); c.-119-333C>G (NM_001163814.2, NM_001163813.2); c.-57-395C>G (NM_001368275.1); short protein forms I367M.
Identifiers: ClinVar variation 2684291 (VCV002684291.2), dbSNP rs200798080, ClinGen allele CA378209846.
Genomic context (GRCh38, chr10:100,989,311, plus strand): 5'-CGGAGGCTTCAATCTTTCTCGTATTCTTCGTACCGCCCTGCCTGCCTGGCACAAGTCCAT[C>G]GTATCTTTCCGGCAGCTTCGGGAGGAGGTGCTAGGAGAACTGTCAAATGTGGAGCAAGCA-3'
Protein context (NP_068602.2, residues 357-377): RTALPAWHKS[Ile367Met]VSFRQLREEV